The following is an entry in ClinVar:

NM_006206.6(PDGFRA):c.1150G>A (p.Ala384Thr)

Gene: PDGFRA (platelet derived growth factor receptor alpha; plus strand). Cytogenetic location: 4q12.
Variant type: single nucleotide variant.
Coding change: c.1150G>A on transcript NM_006206.6 (MANE Select); coding-DNA position 1150, G replaced by A.
Protein change: p.Ala384Thr; replaces alanine 384 with threonine.
Molecular consequence: missense variant.
Genome position (GRCh38, 1-based): chr4:54,270,661, G>A. VCF-style: chr4-54270661-G-A. GRCh37 (hg19) VCF-style: chr4-55136828-G-A.
Other names: c.1150G>A, p.Ala384Thr (NM_001347827.2, NM_001347829.2); c.1225G>A, p.Ala409Thr (NM_001347828.2); c.1189G>A, p.Ala397Thr (NM_001347830.2); short protein forms A384T, A409T, A397T.
Identifiers: ClinVar variation 1734022 (VCV001734022.5), dbSNP rs2110279484, ClinGen allele CA356891921.
Genomic context (GRCh38, chr4:54,270,661, plus strand): 5'-TGCTTGTTGAAACAAAATCCTTTTTTTAAAAGGTATCGAAGCAAATTAAAGCTGATCCGT[G>A]CTAAGGAAGAAGACAGTGGCCATTATACTATTGTAGCTCAAAATGAAGATGCTGTGAAGA-3'
Protein context (NP_006197.1, residues 374-394): RYRSKLKLIR[Ala384Thr]KEEDSGHYTI

ClinVar aggregate classification (germline): Uncertain significance. Review status: criteria provided, multiple submitters, no conflicts (2 of 4 stars). 2 submissions from 2 submitters: Uncertain significance (2). Last evaluated 2025-11-20.

Conditions:
Hereditary cancer-predisposing syndrome. Also called: Tumor predisposition; Neoplastic Syndromes, Hereditary; Hereditary Cancer Syndrome; Hereditary neoplastic syndrome. Identifiers: Orphanet 140162, MedGen C0027672, MeSH D009386, MONDO:0015356.
Gastrointestinal stromal tumor. Also called: Gastrointestinal stroma tumor; Gastrointestinal stromal tumor, somatic. Identifiers: Orphanet 44890, MedGen C0238198, MeSH D046152, MONDO:0011719, OMIM 606764, HP:0100723.

Allele frequency attached by ClinVar (database versions not stated): gnomAD exomes below 0.00001.
gnomAD v4.1: 1 of 1,611,538 alleles (0.000062%); highest among the groups gnomAD compares: South Asian, 0.0011%; no homozygotes.

Submissions (2):

Ambry Genetics
Classification: Uncertain significance for Hereditary cancer-predisposing syndrome. Last evaluated: 2025-11-20. Review status: criteria provided, single submitter. Criteria: Ambry Variant Classification Scheme 2023. Collection method: clinical testing. Allele origin: germline.

Labcorp Genetics (formerly Invitae), Labcorp
Classification: Uncertain significance for Gastrointestinal stromal tumor. Last evaluated: 2023-12-15. Review status: criteria provided, single submitter. Criteria: Invitae Variant Classification Sherloc (09022015). Collection method: clinical testing. Allele origin: germline.
Comment: This sequence change replaces alanine, which is neutral and non-polar, with threonine, which is neutral and polar, at codon 384 of the PDGFRA protein (p.Ala384Thr). This variant is not present in population databases (gnomAD no frequency). This variant has not been reported in the literature in individuals affected with PDGFRA-related conditions. ClinVar contains an entry for this variant (Variation ID: 1734022). Advanced modeling of protein sequence and biophysical properties (such as structural, functional, and spatial information, amino acid conservation, physicochemical variation, residue mobility, and thermodynamic stability) performed at Invitae indicates that this missense variant is not expected to disrupt PDGFRA protein function with a negative predictive value of 80%. In summary, the available evidence is currently insufficient to determine the role of this variant in disease. Therefore, it has been classified as a Variant of Uncertain Significance.